The following is an entry in ClinVar:

NM_001792.5(CDH2):c.638A>T (p.Asn213Ile)

Gene: CDH2 (cadherin 2; minus strand). Cytogenetic location: 18q12.1.
Variant type: single nucleotide variant.
Coding change: c.638A>T on transcript NM_001792.5 (MANE Select); coding-DNA position 638, A replaced by T.
Protein change: p.Asn213Ile; replaces asparagine 213 with isoleucine.
Molecular consequence: missense variant.
Genome position (GRCh38, 1-based): chr18:28,009,781, T>A on the plus strand (A>T on the coding strand, the complement: CDH2 is on the minus strand). VCF-style: chr18-28009781-T-A. GRCh37 (hg19) VCF-style: chr18-25589745-T-A.
Other names: c.545A>T, p.Asn182Ile (NM_001308176.2); short protein forms N182I, N213I.
Identifiers: ClinVar variation 3830101 (VCV003830101.1).

ClinVar aggregate classification (germline): Uncertain significance (1 of 4 stars; one submission).

Conditions:
Inborn genetic diseases. Identifiers: MedGen C0950123, MeSH D030342.

gnomAD v4.1: 1 of 1,613,932 alleles (0.000062%); highest among the groups gnomAD compares: Non-Finnish European, 0.000085%; no homozygotes.

Submission:

Ambry Genetics
Classification: Uncertain significance for Inborn genetic diseases. Last evaluated: 2025-01-31. Review status: criteria provided, single submitter. Criteria: Ambry Variant Classification Scheme 2023. Collection method: clinical testing. Allele origin: germline.
Comment: The p.N213I variant (also known as c.638A>T), located in coding exon 5 of the CDH2 gene, results from an A to T substitution at nucleotide position 638. The asparagine at codon 213 is replaced by isoleucine, an amino acid with dissimilar properties. This amino acid position is conserved. In addition, the in silico prediction for this alteration is inconclusive. Based on the available evidence, the clinical significance of this variant remains unclear.